The following is an entry in ClinVar:

NM_006231.4(POLE):c.910-13T>C

Gene: POLE (DNA polymerase epsilon, catalytic subunit; minus strand). Cytogenetic location: 12q24.33.
Variant type: single nucleotide variant.
Coding change: c.910-13T>C on transcript NM_006231.4 (MANE Select); 13 bases into the intron before coding-DNA position 910, T replaced by C.
Molecular consequence: intron variant.
Genome position (GRCh38, 1-based): chr12:132,676,217, A>G on the plus strand (T>C on the coding strand, the complement: POLE is on the minus strand). VCF-style: chr12-132676217-A-G. GRCh37 (hg19) VCF-style: chr12-133252803-A-G.
Identifiers: ClinVar variation 1208579 (VCV001208579.12), dbSNP rs759098283, ClinGen allele CA246298858.

ClinVar aggregate classification (germline): Conflicting classifications of pathogenicity. Review status: criteria provided, conflicting classifications (1 of 4 stars). 3 submissions from 3 submitters: Uncertain significance (1); Likely benign (2). Last evaluated 2026-01-28.

Conditions:
Colorectal cancer, susceptibility to, 12 (CRCS12). Also called: COLORECTAL CANCER, SUSCEPTIBILITY TO, ON CHROMOSOME 12q24. Identifiers: Orphanet 220460, MedGen C3554460, MONDO:0014038, OMIM 615083.

Allele frequency attached by ClinVar (database versions not stated): gnomAD exomes 0.00001 and 0.00003; TOPMed 0.00002.
gnomAD v4.1: 44 of 1,561,708 alleles (0.0028%); highest among the groups gnomAD compares: Non-Finnish European, 0.0038%; no homozygotes.

Submissions (3):

Labcorp Genetics (formerly Invitae), Labcorp
Classification: Likely benign. Last evaluated: 2026-01-28. Review status: criteria provided, single submitter. Criteria: Invitae Variant Classification Sherloc (09022015). Collection method: clinical testing. Allele origin: germline.

Myriad Genetics, Inc.
Classification: Likely benign for Colorectal cancer, susceptibility to, 12. Last evaluated: 2025-02-07. Review status: criteria provided, single submitter. Criteria: Myriad Autosomal Dominant, Autosomal Recessive and X-Linked Classification Criteria (2023). Collection method: clinical testing. Allele origin: unknown.
Comment: This variant is considered likely benign. This variant is intronic and is not expected to impact mRNA splicing.

GeneDx
Classification: Uncertain significance. Last evaluated: 2019-12-23. Review status: criteria provided, single submitter. Criteria: GeneDx Variant Classification Process June 2021. Collection method: clinical testing. Allele origin: germline. Affected: yes.
Comment: Not observed at a significant frequency in large population cohorts (Lek 2016); Has not been previously published as pathogenic or benign to our knowledge; In-silico analysis, which includes splice predictors and evolutionary conservation, is inconclusive as to whether the variant alters gene splicing. In the absence of RNA/functional studies, the actual effect of this sequence change is unknown.